The following is an entry in ClinVar:

ClinVar aggregate classification (germline): Uncertain significance (1 of 4 stars; one submission).

Conditions:
Hereditary cancer-predisposing syndrome. Also called: Neoplastic Syndromes, Hereditary; Hereditary neoplastic syndrome; Tumor predisposition; Hereditary Cancer Syndrome. Identifiers: Orphanet 140162, MedGen C0027672, MeSH D009386, MONDO:0015356.

Allele frequency attached by ClinVar (database versions not stated): gnomAD exomes below 0.00001.
gnomAD v4.1: 2 of 1,614,096 alleles (0.00012%); highest among the groups gnomAD compares: Non-Finnish European, 0.00017%; no homozygotes.

Submission:

Labcorp Genetics (formerly Invitae), Labcorp
Classification: Uncertain significance for Hereditary cancer-predisposing syndrome. Last evaluated: 2022-05-18. Review status: criteria provided, single submitter. Criteria: Invitae Variant Classification Sherloc (09022015). Collection method: clinical testing. Allele origin: germline.
Comment: In summary, the available evidence is currently insufficient to determine the role of this variant in disease. Therefore, it has been classified as a Variant of Uncertain Significance. Algorithms developed to predict the effect of missense changes on protein structure and function are either unavailable or do not agree on the potential impact of this missense change (SIFT: "Deleterious"; PolyPhen-2: "Probably Damaging"; Align-GVGD: "Class C0"). This variant has not been reported in the literature in individuals affected with RAD50-related conditions. This variant is not present in population databases (gnomAD no frequency). This sequence change replaces glycine, which is neutral and non-polar, with arginine, which is basic and polar, at codon 1204 of the RAD50 protein (p.Gly1204Arg).

NM_005732.4(RAD50):c.3610G>A (p.Gly1204Arg)

Genes: RAD50 (RAD50 double strand break repair protein; plus strand), TH2-LCR (Th2 cytokine locus control region; plus strand), TH2LCRR (T helper type 2 locus control region associated RNA; minus strand). Cytogenetic location: 5q31.1.
Variant type: single nucleotide variant.
Coding change: c.3610G>A on transcript NM_005732.4 (MANE Select); coding-DNA position 3610, G replaced by A.
Protein change: p.Gly1204Arg; replaces glycine 1204 with arginine.
Molecular consequence: missense variant. On other transcripts: non-coding transcript variant (3).
Genome position (GRCh38, 1-based): chr5:132,638,215, G>A. VCF-style: chr5-132638215-G-A. GRCh37 (hg19) VCF-style: chr5-131973907-G-A.
Other names: short protein forms G1204R.
Identifiers: ClinVar variation 1996115 (VCV001996115.4), dbSNP rs2149863686, ClinGen allele CA360932426.
Genomic context (GRCh38, chr5:132,638,215, plus strand): 5'-TACCGAGTGGTGATGCTGAAGGGAGACACAGCCTTGGATATGCGAGGACGATGCAGTGCT[G>A]GACAAAAGGCAGGTATCTCAAAAGCCTGGGGAGCCAACTCACCCAAGTAACTGAAAGAGA-3'
Protein context (NP_005723.2, residues 1194-1214): ALDMRGRCSA[Gly1204Arg]QKVLASLIIR